The following is an entry in ClinVar:

ClinVar aggregate classification (germline): Uncertain significance (1 of 4 stars; one submission).

Conditions:
STXBP5-related disorder. Also called: STXBP5-related condition.

gnomAD v4.1: 2 of 1,613,942 alleles (0.00012%); highest among the groups gnomAD compares: East Asian, 0.0022%; no homozygotes.

Submission:

PreventionGenetics, part of Exact Sciences
Classification: Uncertain significance for STXBP5-related condition. Last evaluated: 2024-12-04. Review status: criteria provided, single submitter. Criteria: ACMG Guidelines, 2015. Collection method: clinical testing. Allele origin: germline.
Comment: The STXBP5 c.1691C>T variant is predicted to result in the amino acid substitution p.Pro564Leu. To our knowledge, this variant has not been reported in the literature. This variant is reported in 0.0029% of alleles in individuals of Latino descent in gnomAD. At this time, the clinical significance of this variant is uncertain due to the absence of conclusive functional and genetic evidence.

NM_001127715.4(STXBP5):c.1691C>T (p.Pro564Leu)

Gene: STXBP5 (syntaxin binding protein 5; plus strand). Cytogenetic location: 6q24.3.
Variant type: single nucleotide variant.
Coding change: c.1691C>T on transcript NM_001127715.4 (MANE Select); coding-DNA position 1691, C replaced by T.
Protein change: p.Pro564Leu; replaces proline 564 with leucine.
Molecular consequence: missense variant.
Genome position (GRCh38, 1-based): chr6:147,316,296, C>T. VCF-style: chr6-147316296-C-T. GRCh37 (hg19) VCF-style: chr6-147637432-C-T.
Other names: c.1691C>T, p.Pro564Leu (NM_001394409.1, NM_139244.6); short protein forms P564L.
Identifiers: ClinVar variation 4982773 (VCV004982773.1).